The following is an entry in ClinVar:

NM_000271.5(NPC1):c.2178G>A (p.Arg726=)

Gene: NPC1 (NPC intracellular cholesterol transporter 1; minus strand). Cytogenetic location: 18q11.2.
Variant type: single nucleotide variant.
Coding change: c.2178G>A on transcript NM_000271.5 (MANE Select); coding-DNA position 2178, G replaced by A.
Protein change: p.Arg726=; no amino-acid change (arginine 726 retained).
Molecular consequence: synonymous variant.
Genome position (GRCh38, 1-based): chr18:23,543,522, C>T on the plus strand (G>A on the coding strand, the complement: NPC1 is on the minus strand). VCF-style: chr18-23543522-C-T. GRCh37 (hg19) VCF-style: chr18-21123486-C-T.
Other names: c.2178G>A (NM_000271.4).
Identifiers: ClinVar variation 1565390 (VCV001565390.10), dbSNP rs770324592, ClinGen allele CA8913189.

ClinVar aggregate classification (germline): Likely benign. Review status: criteria provided, single submitter (1 of 4 stars). 2 submissions from 2 submitters: Likely benign (1). 1 of the submissions does not count toward it. Last evaluated 2025-02-20.

Conditions:
NPC1-related disorder. Also called: NPC1-related condition.
Niemann-Pick disease, type C1. Also called: NEUROVISCERAL STORAGE DISEASE WITH VERTICAL SUPRANUCLEAR OPHTHALMOPLEGIA; NIEMANN-PICK DISEASE WITH CHOLESTEROL ESTERIFICATION BLOCK; NIEMANN-PICK DISEASE WITHOUT SPHINGOMYELINASE DEFICIENCY; NIEMANN-PICK DISEASE, CHRONIC NEURONOPATHIC FORM; NIEMANN-PICK DISEASE, VARIANT TYPE C1. Identifiers: Orphanet 646, MedGen C3179455, MONDO:0009757, OMIM 257220.

Allele frequency attached by ClinVar (database versions not stated): ExAC 0.00001; gnomAD exomes 0.00001; TOPMed 0.00002.
gnomAD v4.1: 14 of 1,612,420 alleles (0.00087%); highest among the groups gnomAD compares: Admixed American, 0.0017%; no homozygotes.

Submissions (2):

Labcorp Genetics (formerly Invitae), Labcorp
Classification: Likely benign for Niemann-Pick disease, type C1. Last evaluated: 2025-02-20. Review status: criteria provided, single submitter. Criteria: Invitae Variant Classification Sherloc (09022015). Collection method: clinical testing. Allele origin: germline.

PreventionGenetics, part of Exact Sciences
Classification: Likely benign for NPC1-related condition. Last evaluated: 2023-08-03. Review status: no assertion criteria provided. Collection method: clinical testing. Allele origin: germline. Not counted in ClinVar's aggregate classification.
Comment: This variant is classified as likely benign based on ACMG/AMP sequence variant interpretation guidelines (Richards et al. 2015 PMID: 25741868, with internal and published modifications).